The following is an entry in ClinVar:

NM_182914.3(SYNE2):c.1154A>G (p.Asn385Ser)

Gene: SYNE2 (spectrin repeat containing nuclear envelope protein 2; plus strand). Cytogenetic location: 14q23.2.
Variant type: single nucleotide variant.
Coding change: c.1154A>G on transcript NM_182914.3 (MANE Select); coding-DNA position 1154, A replaced by G.
Protein change: p.Asn385Ser; replaces asparagine 385 with serine.
Molecular consequence: missense variant.
Genome position (GRCh38, 1-based): chr14:63,976,588, A>G. VCF-style: chr14-63976588-A-G. GRCh37 (hg19) VCF-style: chr14-64443306-A-G.
Other names: c.1154A>G, p.Asn385Ser (NM_015180.6); short protein forms N385S.
Identifiers: ClinVar variation 283981 (VCV000283981.23), dbSNP rs201176149, ClinGen allele CA7219360.

ClinVar aggregate classification (germline): Conflicting classifications of pathogenicity. Review status: criteria provided, conflicting classifications (1 of 4 stars). 6 submissions from 6 submitters: Uncertain significance (3); Benign (1); Likely benign (2). Last evaluated 2026-09-01.

Conditions:
Emery-Dreifuss muscular dystrophy 5, autosomal dominant (EDMD5). Also called: EMERY-DREIFUSS MUSCULAR DYSTROPHY 5. Identifiers: Orphanet 261, MedGen C2751805, MONDO:0013072, OMIM 612999.

Allele frequency attached by ClinVar (database versions not stated): ExAC 0.00024; gnomAD exomes 0.00033; ESP Exome Variant Server 0.00034; gnomAD 0.00041 and 0.00042.
gnomAD v4.1: 566 of 1,608,268 alleles (0.035%); highest among the groups gnomAD compares: Admixed American, 0.049%; no homozygotes.

Submissions (6):

CeGaT Center for Human Genetics Tuebingen
Classification: Likely benign. Last evaluated: 2026-09-01. Review status: criteria provided, single submitter. Criteria: CeGaT Center For Human Genetics Tuebingen Variant Classification Criteria Version 2. Collection method: clinical testing. Allele origin: germline. Affected: yes. Observed: 1 variant allele.
Comment: SYNE2: BP4, BS2

Labcorp Genetics (formerly Invitae), Labcorp
Classification: Likely benign for Emery-Dreifuss muscular dystrophy 5, autosomal dominant. Last evaluated: 2026-01-02. Review status: criteria provided, single submitter. Criteria: Invitae Variant Classification Sherloc (09022015). Collection method: clinical testing. Allele origin: germline.

Ambry Genetics
Classification: Uncertain significance. Last evaluated: 2021-08-02. Review status: criteria provided, single submitter. Criteria: Ambry Variant Classification Scheme 2023. Collection method: clinical testing. Allele origin: germline.

Revvity Omics, Revvity
Classification: Uncertain significance for Emery-Dreifuss muscular dystrophy 5, autosomal dominant. Last evaluated: 2019-11-14. Review status: criteria provided, single submitter. Criteria: ACMG Guidelines, 2015. Collection method: clinical testing. Allele origin: germline.

Illumina Laboratory Services, Illumina
Classification: Benign for Emery-Dreifuss muscular dystrophy 5, autosomal dominant. Last evaluated: 2018-01-13. Review status: criteria provided, single submitter. Criteria: ICSL Variant Classification Criteria 13 December 2019. Collection method: clinical testing. Allele origin: germline.
Comment: This variant was observed in the ICSL laboratory as part of a predisposition screen in an ostensibly healthy population. It had not been previously curated by ICSL or reported in the Human Gene Mutation Database (HGMD: prior to June 1st, 2018), and was therefore a candidate for classification through an automated scoring system. Utilizing variant allele frequency, disease prevalence and penetrance estimates, and inheritance mode, an automated score was calculated to assess if this variant is too frequent to cause the disease. Based on the score and internal cut-off values, a variant classified as benign is not then subjected to further curation. The score for this variant resulted in a classification of benign for this disease.

Eurofins Ntd Llc (ga)
Classification: Uncertain significance. Last evaluated: 2015-10-13. Review status: criteria provided, single submitter. Criteria: EGL Classification Definitions 2015. Collection method: clinical testing. Allele origin: germline. Observed: 1 variant allele, 1 heterozygote.